The following is an entry in ClinVar:

NM_005732.4(RAD50):c.1807T>G (p.Ser603Ala)

Gene: RAD50 (RAD50 double strand break repair protein; plus strand). Cytogenetic location: 5q31.1.
Variant type: single nucleotide variant.
Coding change: c.1807T>G on transcript NM_005732.4 (MANE Select); coding-DNA position 1807, T replaced by G.
Protein change: p.Ser603Ala; replaces serine 603 with alanine.
Molecular consequence: missense variant.
Genome position (GRCh38, 1-based): chr5:132,594,882, T>G. VCF-style: chr5-132594882-T-G. GRCh37 (hg19) VCF-style: chr5-131930574-T-G.
Other names: short protein forms S603A.
Identifiers: ClinVar variation 961558 (VCV000961558.9), dbSNP rs781299632, ClinGen allele CA360947420.

ClinVar aggregate classification (germline): Uncertain significance. Review status: criteria provided, multiple submitters, no conflicts (2 of 4 stars). 2 submissions from 2 submitters: Uncertain significance (2). Last evaluated 2025-04-13.

Conditions:
Hereditary cancer-predisposing syndrome. Also called: Tumor predisposition; Hereditary neoplastic syndrome; Hereditary Cancer Syndrome; Neoplastic Syndromes, Hereditary. Identifiers: Orphanet 140162, MedGen C0027672, MeSH D009386, MONDO:0015356.

Submissions (2):

Ambry Genetics
Classification: Uncertain significance for Hereditary cancer-predisposing syndrome. Last evaluated: 2025-04-13. Review status: criteria provided, single submitter. Criteria: Ambry Variant Classification Scheme 2023. Collection method: clinical testing. Allele origin: germline.
Comment: The p.S603A variant (also known as c.1807T>G), located in coding exon 12 of the RAD50 gene, results from a T to G substitution at nucleotide position 1807. The serine at codon 603 is replaced by alanine, an amino acid with similar properties. This amino acid position is conserved. In addition, this alteration is predicted to be tolerated by in silico analysis. Based on the available evidence, the clinical significance of this variant remains unclear.

Labcorp Genetics (formerly Invitae), Labcorp
Classification: Uncertain significance for Hereditary cancer-predisposing syndrome. Last evaluated: 2022-11-15. Review status: criteria provided, single submitter. Criteria: Invitae Variant Classification Sherloc (09022015). Collection method: clinical testing. Allele origin: germline.
Comment: In summary, the available evidence is currently insufficient to determine the role of this variant in disease. Therefore, it has been classified as a Variant of Uncertain Significance. Advanced modeling of protein sequence and biophysical properties (such as structural, functional, and spatial information, amino acid conservation, physicochemical variation, residue mobility, and thermodynamic stability) performed at Invitae indicates that this missense variant is not expected to disrupt RAD50 protein function. ClinVar contains an entry for this variant (Variation ID: 961558). This variant has not been reported in the literature in individuals affected with RAD50-related conditions. This variant is not present in population databases (gnomAD no frequency). This sequence change replaces serine, which is neutral and polar, with alanine, which is neutral and non-polar, at codon 603 of the RAD50 protein (p.Ser603Ala).